The following is an entry in ClinVar:

NM_022041.4(GAN):c.1723A>G (p.Ile575Val)

Gene: GAN (gigaxonin; plus strand). Cytogenetic location: 16q23.2.
Variant type: single nucleotide variant.
Coding change: c.1723A>G on transcript NM_022041.4 (MANE Select); coding-DNA position 1723, A replaced by G.
Protein change: p.Ile575Val; replaces isoleucine 575 with valine.
Molecular consequence: missense variant.
Genome position (GRCh38, 1-based): chr16:81,377,525, A>G. VCF-style: chr16-81377525-A-G. GRCh37 (hg19) VCF-style: chr16-81411130-A-G.
Other names: c.1084A>G, p.Ile362Val (NM_001377486.1); short protein forms I362V, I575V.
Identifiers: ClinVar variation 1986214 (VCV001986214.2), dbSNP rs780683261, ClinGen allele CA8191868.

ClinVar aggregate classification (germline): Uncertain significance (1 of 4 stars; one submission).

Conditions:
Giant axonal neuropathy 1 (GAN1). Also called: GIANT AXONAL NEUROPATHY 1, AUTOSOMAL RECESSIVE; GAN-Related Neurodegeneration. Identifiers: Orphanet 643, MedGen C1850386, MONDO:0009749, OMIM 256850.

Allele frequency attached by ClinVar (database versions not stated): gnomAD exomes below 0.00001; ExAC 0.00002.
gnomAD v4.1: 7 of 1,614,178 alleles (0.00043%); highest among the groups gnomAD compares: South Asian, 0.0011%; no homozygotes.

Submission:

Labcorp Genetics (formerly Invitae), Labcorp
Classification: Uncertain significance for Giant axonal neuropathy 1. Last evaluated: 2022-08-09. Review status: criteria provided, single submitter. Criteria: Invitae Variant Classification Sherloc (09022015). Collection method: clinical testing. Allele origin: germline.
Comment: This variant is present in population databases (rs780683261, gnomAD 0.003%). This sequence change replaces isoleucine, which is neutral and non-polar, with valine, which is neutral and non-polar, at codon 575 of the GAN protein (p.Ile575Val). This variant has not been reported in the literature in individuals affected with GAN-related conditions. In summary, the available evidence is currently insufficient to determine the role of this variant in disease. Therefore, it has been classified as a Variant of Uncertain Significance. Algorithms developed to predict the effect of missense changes on protein structure and function (SIFT, PolyPhen-2, Align-GVGD) all suggest that this variant is likely to be tolerated.